The following is an entry in ClinVar:

ClinVar aggregate classification (germline): Uncertain significance (1 of 4 stars; one submission).

Submission:

Labcorp Genetics (formerly Invitae), Labcorp
Classification: Uncertain significance. Last evaluated: 2024-01-25. Review status: criteria provided, single submitter. Criteria: Invitae Variant Classification Sherloc (09022015). Collection method: clinical testing. Allele origin: germline.
Comment: This sequence change replaces leucine, which is neutral and non-polar, with valine, which is neutral and non-polar, at codon 369 of the MSH3 protein (p.Leu369Val). This variant is not present in population databases (gnomAD no frequency). This variant has not been reported in the literature in individuals affected with MSH3-related conditions. An algorithm developed to predict the effect of missense changes on protein structure and function (PolyPhen-2) suggests that this variant is likely to be tolerated. Algorithms developed to predict the effect of sequence changes on RNA splicing suggest that this variant may disrupt the consensus splice site. In summary, the available evidence is currently insufficient to determine the role of this variant in disease. Therefore, it has been classified as a Variant of Uncertain Significance.

NM_002439.5(MSH3):c.1105C>G (p.Leu369Val)

Gene: MSH3 (mutS homolog 3; plus strand). Cytogenetic location: 5q14.1.
Variant type: single nucleotide variant.
Coding change: c.1105C>G on transcript NM_002439.5 (MANE Select); coding-DNA position 1105, C replaced by G.
Protein change: p.Leu369Val; replaces leucine 369 with valine.
Molecular consequence: missense variant.
Genome position (GRCh38, 1-based): chr5:80,675,060, C>G. VCF-style: chr5-80675060-C-G. GRCh37 (hg19) VCF-style: chr5-79970879-C-G.
Other names: short protein forms L369V.
Identifiers: ClinVar variation 2711504 (VCV002711504.3), dbSNP rs2546724301, ClinGen allele CA360268111.
Genomic context (GRCh38, chr5:80,675,060, plus strand): 5'-AAGCTGGATGATGCTGTAAATGTTGATGAGATAATGACTGATACTTCTACCAGCTATCTT[C>G]TGTGCATCTCTGAAAATAAGGAAAATGTTAGGGACAAAAAAAAGGGCAACATTTTTATTG-3'
Protein context (NP_002430.3, residues 359-379): IMTDTSTSYL[Leu369Val]CISENKENVR